The following is an entry in ClinVar:

ClinVar aggregate classification (germline): Uncertain significance (0 of 4 stars; one submission).

Submission:

Genetic Services Laboratory, University of Chicago
Classification: Uncertain significance. Last evaluated: 2022-12-23. Review status: no assertion criteria provided. Collection method: clinical testing. Allele origin: germline. Affected: no.
Comment: DNA sequence analysis of the EP300 gene demonstrated a sequence change, c.6820C>G, in exon 31 that results in an amino acid change, p.Gln2274Glu. This sequence change does not appear to have been previously described in individuals with EP300-related disorders and has also not been described in population databases such as ExAC and gnomAD. The p.Gln2274Glu change affects a moderately conserved amino acid residue located in a domain of the EP300 protein that is not known to be functional. The p.Gln2274Glu substitution appears to be benign using several in-silico pathogenicity prediction tools (SIFT, PolyPhen2, Align GVGD, REVEL). Due to insufficient evidences and the lack of functional studies, the clinical significance of the p.Gln2274Glu change remains unknown at this time.

NM_001429.4(EP300):c.6820C>G (p.Gln2274Glu)

Gene: EP300 (E1A binding protein p300; plus strand). Cytogenetic location: 22q13.2.
Variant type: single nucleotide variant.
Coding change: c.6820C>G on transcript NM_001429.4 (MANE Select); coding-DNA position 6820, C replaced by G.
Protein change: p.Gln2274Glu; replaces glutamine 2274 with glutamic acid.
Molecular consequence: missense variant.
Genome position (GRCh38, 1-based): chr22:41,178,531, C>G. VCF-style: chr22-41178531-C-G. GRCh37 (hg19) VCF-style: chr22-41574535-C-G.
Other names: c.6742C>G, p.Gln2248Glu (NM_001362843.2); short protein forms Q2248E, Q2274E.
Identifiers: ClinVar variation 2443124 (VCV002443124.2), dbSNP rs1258833321, ClinGen allele CA411682811.